The following is an entry in ClinVar:

ClinVar aggregate classification (germline): Uncertain significance (1 of 4 stars; one submission).

Submission:

Dasa
Classification: Uncertain significance. Last evaluated: 2025-11-06. Review status: criteria provided, single submitter. Criteria: DASA Assertion Criteria. Collection method: clinical testing. Allele origin: germline.
Comment: NM_000256.3(MYBPC3):c.215del (p.Gly72Alafs*24) is a frameshift variant in MYBPC3 predicted to alter the reading frame and introduce a premature termination codon and is predicted to result in an absent or altered protein product. This variant is absent from population databases. The currently available literature and clinical evidence are not sufficient to establish a definitive association between this variant and the reported condition. Therefore, this variant is classified as a variant of uncertain significance.

NM_000256.3(MYBPC3):c.215del (p.Gly72fs)

Gene: MYBPC3 (myosin binding protein C3; minus strand). Cytogenetic location: 11p11.2.
Variant type: Deletion.
Coding change: c.215del on transcript NM_000256.3 (MANE Select); coding-DNA position 215, one base deleted (G; older notation c.215delG).
Protein change: p.Gly72fs; shifts the reading frame from glycine 72.
Molecular consequence: frameshift variant.
Genome position (GRCh38, 1-based): chr11:47,351,316, C deleted on the plus strand (G on the coding strand, the reverse complement: MYBPC3 is on the minus strand); the first of 3 consecutive C bases (chr11:47,351,316-47,351,318); deleting any one gives the same sequence. VCF-style (leftmost placement, unchanged base first): chr11-47351315-GC-G. GRCh37 (hg19) VCF-style: chr11-47372866-GC-G.
Other names: short protein forms G72fs.
Identifiers: ClinVar variation 4883902 (VCV004883902.2).